The following is an entry in ClinVar:

ClinVar aggregate classification (germline): Uncertain significance (1 of 4 stars; one submission).

Conditions:
Hereditary cancer-predisposing syndrome. Also called: Neoplastic Syndromes, Hereditary; Tumor predisposition; Hereditary neoplastic syndrome; Hereditary Cancer Syndrome. Identifiers: Orphanet 140162, MedGen C0027672, MeSH D009386, MONDO:0015356.

Submission:

Ambry Genetics
Classification: Uncertain significance for Hereditary cancer-predisposing syndrome. Last evaluated: 2026-07-02. Review status: criteria provided, single submitter. Criteria: Ambry Variant Classification Scheme 2023. Collection method: clinical testing. Allele origin: germline.
Comment: The p.L831F variant (also known as c.2491C>T), located in coding exon 16 of the CDH1 gene, results from a C to T substitution at nucleotide position 2491. The leucine at codon 831 is replaced by phenylalanine, an amino acid with highly similar properties. This amino acid position is conserved. In addition, the in silico prediction for this alteration is inconclusive. Based on the available evidence, the clinical significance of this variant remains unclear.

NM_004360.5(CDH1):c.2491C>T (p.Leu831Phe)

Gene: CDH1 (cadherin 1; plus strand). Cytogenetic location: 16q22.1.
Variant type: single nucleotide variant.
Coding change: c.2491C>T on transcript NM_004360.5 (MANE Select); coding-DNA position 2491, C replaced by T.
Protein change: p.Leu831Phe; replaces leucine 831 with phenylalanine.
Molecular consequence: missense variant.
Genome position (GRCh38, 1-based): chr16:68,833,341, C>T. VCF-style: chr16-68833341-C-T. GRCh37 (hg19) VCF-style: chr16-68867244-C-T.
Other names: c.2308C>T, p.Leu770Phe (NM_001317184.2); c.943C>T, p.Leu315Phe (NM_001317185.2); c.526C>T, p.Leu176Phe (NM_001317186.2); short protein forms L770F, L831F, L176F, L315F.
Identifiers: ClinVar variation 5033886 (VCV005033886.1).